The following is an entry in ClinVar:

ClinVar aggregate classification (germline): Likely benign. Review status: criteria provided, multiple submitters, no conflicts (2 of 4 stars). 3 submissions from 3 submitters: Likely benign (3). Last evaluated 2025-12-12.

Conditions:
Renal cell carcinoma. Identifiers: Orphanet 217071, MedGen C0007134, MeSH D002292, MONDO:0005086, HP:0005584.
Papillary renal cell carcinoma type 1 (RCCP1). Also called: RENAL CELL CARCINOMA, PAPILLARY, 1, SOMATIC; Renal adenocarcinoma; Renal cell carcinoma 1; Renal cell carcinoma, somatic. Identifiers: Orphanet 47044, MedGen C1336839, OMIM 605074, HP:0011797.

gnomAD v4.1: 10 of 1,605,730 alleles (0.00062%); highest among the groups gnomAD compares: Non-Finnish European, 0.00077%; no homozygotes.

Submissions (3):

Labcorp Genetics (formerly Invitae), Labcorp
Classification: Likely benign for Renal cell carcinoma. Last evaluated: 2025-12-12. Review status: criteria provided, single submitter. Criteria: Invitae Variant Classification Sherloc (09022015). Collection method: clinical testing. Allele origin: germline.

Myriad Genetics, Inc.
Classification: Likely benign for Papillary renal cell carcinoma type 1. Last evaluated: 2024-11-08. Review status: criteria provided, single submitter. Criteria: Myriad Autosomal Dominant, Autosomal Recessive and X-Linked Classification Criteria (2023). Collection method: clinical testing. Allele origin: unknown.
Comment: This variant is considered likely benign. This variant is intronic and is not expected to impact mRNA splicing.

Blueprint Genetics
Classification: Likely benign. Last evaluated: 2023-08-28. Review status: criteria provided, single submitter. Criteria: ACMG Guidelines, 2015. Collection method: clinical testing. Allele origin: germline.

NM_000245.4(MET):c.1863-13G>C

Gene: MET (MET proto-oncogene, receptor tyrosine kinase; plus strand). Cytogenetic location: 7q31.2.
Variant type: single nucleotide variant.
Coding change: c.1863-13G>C on transcript NM_000245.4 (MANE Select); 13 bases into the intron before coding-DNA position 1863, G replaced by C.
Molecular consequence: intron variant.
Genome position (GRCh38, 1-based): chr7:116,757,424, G>C. VCF-style: chr7-116757424-G-C. GRCh37 (hg19) VCF-style: chr7-116397478-G-C.
Other names: c.1863-13G>C (NM_001127500.3, NM_001324401.3); c.573-13G>C (NM_001324402.2).
Identifiers: ClinVar variation 1649149 (VCV001649149.10), dbSNP rs764856420, ClinGen allele CA577680581.
Genomic context (GRCh38, chr7:116,757,424, plus strand): 5'-ACTTCCTATAAAACAACCTAACCAGAAAATTCCTTGGATTTGTCATGTATTAAACTTTGG[G>C]TTTTTTTTCCAGATTGAAATGCACAGTTGGTCCTGCCATGAATAAGCATTTCAATATGTC-3'